The following is an entry in ClinVar:

NM_000548.5(TSC2):c.3883+2T>C

Gene: TSC2 (TSC complex subunit 2; plus strand). Cytogenetic location: 16p13.3.
Variant type: single nucleotide variant.
Coding change: c.3883+2T>C on transcript NM_000548.5 (MANE Select); the canonical splice donor site of the intron after coding-DNA position 3883, T replaced by C.
Molecular consequence: splice donor variant. On other transcripts: synonymous variant (1), intron variant (33).
Genome position (GRCh38, 1-based): chr16:2,082,506, T>C. VCF-style: chr16-2082506-T-C. GRCh37 (hg19) VCF-style: chr16-2132507-T-C.
Other names: c.3753T>C, p.Gly1251= (NM_001406665.1); c.2341+708T>C (NM_001406693.1, NM_001406692.1, NM_001406694.1); c.3775+708T>C (NM_001406667.1); c.3772+708T>C (NM_001406668.1); c.3283+2T>C (NM_001406680.1); c.3214+708T>C (NM_001406683.1, NM_001406682.1); c.3082+708T>C (NM_001406687.1, NM_001406688.1); c.2470+708T>C (NM_001406689.1); and 26 more.
Identifiers: ClinVar variation 2751437 (VCV002751437.3), dbSNP rs2090269194, ClinGen allele CA394295361.

ClinVar aggregate classification (germline): Uncertain significance (1 of 4 stars; one submission).

Conditions:
Tuberous sclerosis 2 (TSC2). Identifiers: Orphanet 805, MedGen C1860707, MONDO:0013199, OMIM 613254.

Submission:

Labcorp Genetics (formerly Invitae), Labcorp
Classification: Uncertain significance for Tuberous sclerosis 2. Last evaluated: 2025-08-21. Review status: criteria provided, single submitter. Criteria: Invitae Variant Classification Sherloc (09022015). Collection method: clinical testing. Allele origin: germline.
Comment: This sequence change affects a donor splice site in intron 32 of the TSC2 gene. Loss-of-function variants in TSC2 are known to be pathogenic (PMID: 10205261, 17304050). However, tissue-specific alternative splicing of TSC2 gene results in a functional isoform lacking in-frame exon 32 (also known as exon 31, PMID: 26703369). For this reason the clinical significance of loss of function variants in exon 32 is currently uncertain. This variant is not present in population databases (gnomAD no frequency). This variant has not been reported in the literature in individuals affected with TSC2-related conditions. ClinVar contains an entry for this variant (Variation ID: 2751437). Variants that disrupt the consensus splice site are a relatively common cause of aberrant splicing (PMID: 17576681, 9536098). Studies have shown that disruption of this splice site is associated with inconclusive levels of altered splicing (internal data). In summary, the available evidence is currently insufficient to determine the role of this variant in disease. Therefore, it has been classified as a Variant of Uncertain Significance.

Literature cited by the submitters: PubMed 10205261; PubMed 17304050; PubMed 17576681; PubMed 9536098.